The following is an entry in ClinVar:

ClinVar aggregate classification (germline): Likely benign. Review status: criteria provided, multiple submitters, no conflicts (2 of 4 stars). 3 submissions from 3 submitters: Likely benign (3). Last evaluated 2026-07-01.

Conditions:
Inborn genetic diseases. Identifiers: MedGen C0950123, MeSH D030342.
Fanconi anemia (FA). Also called: Fanconi's anemia. Identifiers: Orphanet 84, MedGen C0015625, MeSH D005199, MONDO:0019391.

Allele frequency attached by ClinVar (database versions not stated): gnomAD exomes below 0.00001; TOPMed below 0.00001; gnomAD 0.00001.
gnomAD v4.1: 3 of 1,613,870 alleles (0.00019%); highest among the groups gnomAD compares: African/African-American, 0.0013%; no homozygotes.

Submissions (3):

CeGaT Center for Human Genetics Tuebingen
Classification: Likely benign. Last evaluated: 2026-07-01. Review status: criteria provided, single submitter. Criteria: CeGaT Center For Human Genetics Tuebingen Variant Classification Criteria Version 2. Collection method: clinical testing. Allele origin: germline. Affected: yes. Observed: 2 variant alleles.
Comment: FANCA: BP4, BP7

Ambry Genetics
Classification: Likely benign for Inborn genetic diseases. Last evaluated: 2025-04-28. Review status: criteria provided, single submitter. Criteria: Ambry Variant Classification Scheme 2023. Collection method: clinical testing. Allele origin: germline.

Labcorp Genetics (formerly Invitae), Labcorp
Classification: Likely benign for Fanconi anemia. Last evaluated: 2023-05-08. Review status: criteria provided, single submitter. Criteria: Invitae Variant Classification Sherloc (09022015). Collection method: clinical testing. Allele origin: germline.

NM_000135.4(FANCA):c.1512C>T (p.Arg504=)

Gene: FANCA (FA complementation group A; minus strand). Cytogenetic location: 16q24.3.
Variant type: single nucleotide variant.
Coding change: c.1512C>T on transcript NM_000135.4 (MANE Select); coding-DNA position 1512, C replaced by T.
Protein change: p.Arg504=; no amino-acid change (arginine 504 retained).
Molecular consequence: synonymous variant.
Genome position (GRCh38, 1-based): chr16:89,783,061, G>A on the plus strand (C>T on the coding strand, the complement: FANCA is on the minus strand). VCF-style: chr16-89783061-G-A. GRCh37 (hg19) VCF-style: chr16-89849469-G-A.
Other names: c.1512C>T, p.Arg504= (NM_001286167.3); c.1512C>T (NM_000135.2).
Identifiers: ClinVar variation 1641799 (VCV001641799.16), dbSNP rs1298473070, ClinGen allele CA497190154.
Genomic context (GRCh38, chr16:89,783,061, plus strand): 5'-GCTTGCCTTGAGGTCGGCCAGCCGTGTCTTGGCCAATGAGATGTAGTCTGTGAGGAGGGA[G>A]CGGTACTTGCCGGGAACCAGGGGTGGGTGGAGAATGTGCACCTGAGGATAGATAGCAGAG-3'
Protein context (NP_000126.2, residues 494-514): LHPPLVPGKY[Arg504=]SLLTDYISLA